The following is an entry in ClinVar:

ClinVar aggregate classification (germline): Pathogenic (1 of 4 stars; one submission).

Conditions:
Sialic acid storage disease, severe infantile type (ISSD). Also called: INFANTILE SIALIC ACID STORAGE DISORDER; N-ACETYLNEURAMINIC ACID STORAGE DISEASE; NANA STORAGE DISEASE; SIALURIA, INFANTILE FORM; Infantile Sialic Acid Storage Disease; Free sialic acid storage disease, infantile form. Identifiers: Orphanet 309324, Orphanet 834, MedGen C1096902, MONDO:0010027, OMIM 269920.

Submission:

Myriad Genetics, Inc.
Classification: Pathogenic for Sialic acid storage disease, severe infantile type. Last evaluated: 2025-05-09. Review status: criteria provided, single submitter. Criteria: Myriad Autosomal Dominant, Autosomal Recessive and X-Linked Classification Criteria (2023). Collection method: clinical testing. Allele origin: unknown.
Comment: NM_012434.4(SLC17A5):c.800_803delTTTC(L267Hfs*3) is expected to be pathogenic in the context of free sialic acid storage disorders. This variant is predicted to lead to an abnormal or absent protein product due to the creation of a premature termination codon in SLC17A5, a gene where loss-of-function variants are known to be pathogenic. Please note: this variant was assessed in the context of healthy population screening.

NM_012434.5(SLC17A5):c.800_803del (p.Leu267fs)

Gene: SLC17A5 (solute carrier family 17 member 5; minus strand). Cytogenetic location: 6q13.
Variant type: Deletion.
Coding change: c.800_803del on transcript NM_012434.5 (MANE Select); coding-DNA positions 800 to 803, 4 bases deleted (TTTC; older notation c.800_803delTTTC).
Protein change: p.Leu267fs; shifts the reading frame from leucine 267.
Molecular consequence: frameshift variant.
Genome position (GRCh38, 1-based): chr6:73,635,398-73,635,401, GAAA deleted on the plus strand (TTTC on the coding strand, the reverse complement: SLC17A5 is on the minus strand); deleting any 4 consecutive bases within chr6:73,635,398-73,635,404 gives the same sequence; the c. name uses the placement nearest the transcript's 3' end. VCF-style (leftmost placement, unchanged base first): chr6-73635397-TGAAA-T. GRCh37 (hg19) VCF-style: chr6-74345120-TGAAA-T.
Other names: c.569_572del, p.Leu190fs (NM_001382629.1); c.800_803del, p.Leu267fs (NM_001382630.1, NM_001382633.1, NM_001382634.1); c.821_824del, p.Leu274fs (NM_001382631.1); c.713_716del, p.Leu238fs (NM_001382632.1); c.797_800del, p.Leu266fs (NM_001382635.1); c.482_485del, p.Leu161fs (NM_001382636.1); short protein forms L161fs, L190fs, L238fs, L266fs, L267fs, L274fs.
Identifiers: ClinVar variation 5014412 (VCV005014412.1).
Genomic context (GRCh38, chr6:73,635,397, plus strand): 5'-AAAAAAGTTTCTGACATTATTTTTAAAATGTGTCAAAGTCCATACCTGATTTCTTAATGA[TGAAA>T]GAATGTATTCCTTTTCATAATGGGAAATTCTCTTGTGTTTTTGTGGTGTGTCACTAACTA-3'